The following is an entry in ClinVar:

NM_000193.4(SHH):c.44C>G (p.Ser15Trp)

Gene: SHH (sonic hedgehog signaling molecule; minus strand). Cytogenetic location: 7q36.3.
Variant type: single nucleotide variant.
Coding change: c.44C>G on transcript NM_000193.4 (MANE Select); coding-DNA position 44, C replaced by G.
Protein change: p.Ser15Trp; replaces serine 15 with tryptophan.
Molecular consequence: missense variant.
Genome position (GRCh38, 1-based): chr7:155,812,079, G>C on the plus strand (C>G on the coding strand, the complement: SHH is on the minus strand). VCF-style: chr7-155812079-G-C. GRCh37 (hg19) VCF-style: chr7-155604773-G-C.
Other names: c.44C>G (NM_000193.2); short protein forms S15W.
Identifiers: ClinVar variation 983024 (VCV000983024.8), dbSNP rs760920236, ClinGen allele CA4587101.

ClinVar aggregate classification (germline): Uncertain significance. Review status: criteria provided, multiple submitters, no conflicts (2 of 4 stars). 4 submissions from 4 submitters: Uncertain significance (4). Last evaluated 2024-05-08.

Conditions:
Holoprosencephaly 3 (HPE3). Identifiers: Orphanet 2162, MedGen C1840529, MONDO:0007733, OMIM 142945.
Inborn genetic diseases. Identifiers: MedGen C0950123, MeSH D030342.

Allele frequency attached by ClinVar (database versions not stated): ExAC 0.00002; gnomAD 0.00002; gnomAD exomes 0.00002; TOPMed 0.00002.

Submissions (4):

Labcorp Genetics (formerly Invitae), Labcorp
Classification: Uncertain significance for Holoprosencephaly 3. Last evaluated: 2024-05-08. Review status: criteria provided, single submitter. Criteria: Invitae Variant Classification Sherloc (09022015). Collection method: clinical testing. Allele origin: germline.
Comment: This sequence change replaces serine, which is neutral and polar, with tryptophan, which is neutral and slightly polar, at codon 15 of the SHH protein (p.Ser15Trp). This variant is present in population databases (rs760920236, gnomAD 0.006%). This variant has not been reported in the literature in individuals affected with SHH-related conditions. ClinVar contains an entry for this variant (Variation ID: 983024). Advanced modeling of protein sequence and biophysical properties (such as structural, functional, and spatial information, amino acid conservation, physicochemical variation, residue mobility, and thermodynamic stability) performed at Invitae indicates that this missense variant is not expected to disrupt SHH protein function with a negative predictive value of 80%. In summary, the available evidence is currently insufficient to determine the role of this variant in disease. Therefore, it has been classified as a Variant of Uncertain Significance.

Revvity Omics, Revvity
Classification: Uncertain significance. Last evaluated: 2021-10-28. Review status: criteria provided, single submitter. Criteria: ACMG Guidelines, 2015. Collection method: clinical testing. Allele origin: germline.

Ambry Genetics
Classification: Uncertain significance for Inborn genetic diseases. Last evaluated: 2021-10-22. Review status: criteria provided, single submitter. Criteria: Ambry Variant Classification Scheme 2023. Collection method: clinical testing. Allele origin: germline.

Institute of Human Genetics, University of Leipzig Medical Center
Classification: Uncertain significance for Holoprosencephaly 3. Last evaluated: 2019-01-01. Review status: criteria provided, single submitter. Criteria: ACMG Guidelines, 2015. Collection method: clinical testing. Allele origin: unknown. Affected: yes.